The following is an entry in ClinVar:

ClinVar aggregate classification (germline): Likely benign (1 of 4 stars; one submission).

gnomAD v4.1: 8 of 1,609,494 alleles (0.0005%); highest among the groups gnomAD compares: Non-Finnish European, 0.00068%; no homozygotes.

Submission:

CeGaT Center for Human Genetics Tuebingen
Classification: Likely benign. Last evaluated: 2026-07-01. Review status: criteria provided, single submitter. Criteria: CeGaT Center For Human Genetics Tuebingen Variant Classification Criteria Version 2. Collection method: clinical testing. Allele origin: germline. Affected: yes. Observed: 1 variant allele.
Comment: ZNF292: BP4, BP7

NM_015021.3(ZNF292):c.7341T>C (p.Asp2447=)

Gene: ZNF292 (zinc finger protein 292; plus strand). Cytogenetic location: 6q14.3.
Variant type: single nucleotide variant.
Coding change: c.7341T>C on transcript NM_015021.3 (MANE Select); coding-DNA position 7341, T replaced by C.
Protein change: p.Asp2447=; no amino-acid change (aspartic acid 2447 retained).
Molecular consequence: synonymous variant.
Genome position (GRCh38, 1-based): chr6:87,260,970, T>C. VCF-style: chr6-87260970-T-C. GRCh37 (hg19) VCF-style: chr6-87970688-T-C.
Other names: c.6921T>C, p.Asp2307= (NM_001351444.2).
Identifiers: ClinVar variation 5039567 (VCV005039567.1).